The following is an entry in ClinVar:

ClinVar aggregate classification (germline): Uncertain significance. Review status: criteria provided, multiple submitters, no conflicts (2 of 4 stars). 5 submissions from 5 submitters: Uncertain significance (5). Last evaluated 2025-11-17.

Conditions:
Prolonged electroretinal response suppression 2 (PERRS2). Also called: BRADYOPSIA 2. Identifiers: MedGen C5830452, MONDO:0958190, OMIM 620344.
Retinal dystrophy. Also called: Inherited retinal dystrophy. Identifiers: Orphanet 71862, MedGen C0854723, MeSH D058499, MONDO:0019118, HP:0000556.

Allele frequency attached by ClinVar (database versions not stated): gnomAD 0.00006 and 0.00007; gnomAD exomes 0.00015 and 0.00006; TOPMed 0.00006; ExAC 0.00012.
gnomAD v4.1: 106 of 1,589,512 alleles (0.0067%); highest among the groups gnomAD compares: Middle Eastern, 0.12%; no homozygotes.

Submissions (5):

Labcorp Genetics (formerly Invitae), Labcorp
Classification: Uncertain significance. Last evaluated: 2025-11-17. Review status: criteria provided, single submitter. Criteria: Invitae Variant Classification Sherloc (09022015). Collection method: clinical testing. Allele origin: germline.
Comment: This sequence change replaces serine, which is neutral and polar, with alanine, which is neutral and non-polar, at codon 195 of the RGS9BP protein (p.Ser195Ala). This variant is present in population databases (rs777069518, gnomAD 0.2%). This missense change has been observed in individual(s) with cone-rod dystrophy (PMID: 34795310). ClinVar contains an entry for this variant (Variation ID: 1026242). An algorithm developed to predict the effect of missense changes on protein structure and function (PolyPhen-2) suggests that this variant is likely to be disruptive. In summary, the available evidence is currently insufficient to determine the role of this variant in disease. Therefore, it has been classified as a Variant of Uncertain Significance.

Blueprint Genetics
Classification: Uncertain significance. Last evaluated: 2024-11-25. Review status: criteria provided, single submitter. Criteria: ACMG Guidelines, 2015. Collection method: clinical testing. Allele origin: germline.

Department of Pathology and Laboratory Medicine, Sinai Health System
Classification: Uncertain significance for Prolonged electroretinal response suppression 2. Last evaluated: 2023-01-23. Review status: criteria provided, single submitter. Criteria: ACMG Guidelines, 2015. Collection method: research. Allele origin: germline.

Institute of Human Genetics, Univ. Regensburg, Univ. Regensburg
Classification: Uncertain significance for Retinal dystrophy. Last evaluated: 2023-01-01. Review status: criteria provided, single submitter. Criteria: ACMG Guidelines, 2015. Collection method: clinical testing. Allele origin: germline. Affected: yes.

Breakthrough Genomics
Classification: Uncertain significance. Review status: criteria provided, single submitter. Criteria: ACMG Guidelines, 2015. Collection method: not provided. Allele origin: germline. Inheritance: Autosomal dominant inheritance. Affected: yes.

Literature cited by the submitters: PubMed 34795310 (cited by Labcorp Genetics (formerly Invitae), Labcorp and Institute of Human Genetics, Univ. Regensburg, Univ. Regensburg).

NM_207391.3(RGS9BP):c.583T>G (p.Ser195Ala)

Gene: RGS9BP (regulator of G protein signaling 9 binding protein; plus strand). Cytogenetic location: 19q13.11.
Variant type: single nucleotide variant.
Coding change: c.583T>G on transcript NM_207391.3 (MANE Select); coding-DNA position 583, T replaced by G.
Protein change: p.Ser195Ala; replaces serine 195 with alanine.
Molecular consequence: missense variant.
Genome position (GRCh38, 1-based): chr19:32,676,846, T>G. VCF-style: chr19-32676846-T-G. GRCh37 (hg19) VCF-style: chr19-33167752-T-G.
Other names: short protein forms S195A.
Identifiers: ClinVar variation 1026242 (VCV001026242.9), dbSNP rs777069518, ClinGen allele CA9357558.